The following is an entry in ClinVar:

NM_144997.7(FLCN):c.932dup (p.Val312fs)

Gene: FLCN (folliculin; minus strand). Cytogenetic location: 17p11.2.
Variant type: Duplication.
Coding change: c.932dup on transcript NM_144997.7 (MANE Select); coding-DNA position 932, one base duplicated (C; older notation c.932dupC).
Protein change: p.Val312fs; shifts the reading frame from valine 312.
Molecular consequence: frameshift variant.
Genome position (GRCh38, 1-based): chr17:17,219,149, G duplicated on the plus strand (C on the coding strand, the reverse complement: FLCN is on the minus strand); the first of 4 consecutive G bases (chr17:17,219,149-17,219,152); duplicating any one gives the same sequence. VCF-style (leftmost placement, unchanged base first): chr17-17219148-A-AG. GRCh37 (hg19) VCF-style: chr17-17122462-A-AG.
Other names: c.986dup, p.Val330fs (NM_001353229.2); c.932dup, p.Val312fs (NM_001353230.2, NM_001353231.2); short protein forms V312fs, V330fs.
Identifiers: ClinVar variation 4715983 (VCV004715983.1).
Genomic context (GRCh38, chr17:17,219,148, plus strand): 5'-AGAGGAGGACTCTGCCGGGCCCTGGGTCAGCTCCCGCCCTTCTGTACTCTCTGGCAACAC[A>AG]GGGGCTTTCTCCTCCTCTTCAGCCTCAGAGTTGTCCCAGCTTTCTGATTCCTCTTCTAAA-3'

ClinVar aggregate classification (germline): Pathogenic (1 of 4 stars; one submission).

Conditions:
Birt-Hogg-Dube syndrome. Also called: Birt Hogg Dubé syndrome. Identifiers: Orphanet 122, MedGen C0346010, MONDO:0800444.

Submission:

Labcorp Genetics (formerly Invitae), Labcorp
Classification: Pathogenic for Birt-Hogg-Dube syndrome. Last evaluated: 2025-10-20. Review status: criteria provided, single submitter. Criteria: Invitae Variant Classification Sherloc (09022015). Collection method: clinical testing. Allele origin: germline.
Comment: This sequence change creates a premature translational stop signal (p.Val312Cysfs*78) in the FLCN gene. It is expected to result in an absent or disrupted protein product. Loss-of-function variants in FLCN are known to be pathogenic (PMID: 15852235). This variant is not present in population databases (gnomAD no frequency). This variant has not been reported in the literature in individuals affected with FLCN-related conditions. For these reasons, this variant has been classified as Pathogenic.

Literature cited by the submitters: PubMed 15852235.